The following is an entry in ClinVar:

ClinVar aggregate classification (germline): Conflicting classifications of pathogenicity. Review status: criteria provided, conflicting classifications (1 of 4 stars). 5 submissions from 5 submitters: Uncertain significance (4); Likely benign (1). Last evaluated 2025-12-15.

Conditions:
Hereditary cancer-predisposing syndrome. Also called: Hereditary Cancer Syndrome; Neoplastic Syndromes, Hereditary; Tumor predisposition; Hereditary neoplastic syndrome. Identifiers: Orphanet 140162, MedGen C0027672, MeSH D009386, MONDO:0015356.
Familial cancer of breast. Also called: BREAST CANCER, FAMILIAL; Hereditary breast cancer; hereditary breast carcinoma. Identifiers: Orphanet 227535, MedGen C0346153, MONDO:0016419, OMIM 114480. Disease mechanism: loss of function.
Ataxia-telangiectasia syndrome (AT). Also called: Ataxia-telangiectasia, complementation group D; AT, COMPLEMENTATION GROUP C; ATAXIA-TELANGIECTASIA, COMPLEMENTATION GROUP A; ATAXIA-TELANGIECTASIA, FRESNO VARIANT; Ataxia-telangiectasia; LOUIS-BAR SYNDROME. Identifiers: Orphanet 100, MedGen C0004135, MONDO:0008840, OMIM 208900.

Allele frequency attached by ClinVar (database versions not stated): gnomAD exomes below 0.00001; TOPMed below 0.00001; ExAC 0.00001; gnomAD 0.00001; ESP Exome Variant Server 0.00008.
gnomAD v4.1: 2 of 1,604,536 alleles (0.00012%); highest among the groups gnomAD compares: African/African-American, 0.0027%; no homozygotes.

Submissions (5):

Labcorp Genetics (formerly Invitae), Labcorp
Classification: Likely benign for Ataxia-telangiectasia syndrome. Last evaluated: 2025-12-15. Review status: criteria provided, single submitter. Criteria: Invitae Variant Classification Sherloc (09022015). Collection method: clinical testing. Allele origin: germline.

Ambry Genetics
Classification: Uncertain significance for Hereditary cancer-predisposing syndrome. Last evaluated: 2025-06-15. Review status: criteria provided, single submitter. Criteria: Ambry Variant Classification Scheme 2023. Collection method: clinical testing. Allele origin: germline.
Comment: The p.S421P variant (also known as c.1261T>C), located in coding exon 9 of the ATM gene, results from a T to C substitution at nucleotide position 1261. The serine at codon 421 is replaced by proline, an amino acid with similar properties. This amino acid position is well conserved in available vertebrate species. In addition, this alteration is predicted to be tolerated by in silico analysis. Since supporting evidence is limited at this time, the clinical significance of this alteration remains unclear.

GeneDx
Classification: Uncertain significance. Last evaluated: 2024-01-03. Review status: criteria provided, single submitter. Criteria: GeneDx Variant Classification Process June 2021. Collection method: clinical testing. Allele origin: germline. Affected: yes.
Comment: Not observed at significant frequency in large population cohorts (gnomAD); In silico analysis supports that this missense variant does not alter protein structure/function; Has not been previously published as pathogenic or benign to our knowledge

Baylor Genetics
Classification: Uncertain significance for Familial cancer of breast. Last evaluated: 2023-05-08. Review status: criteria provided, single submitter. Criteria: ACMG Guidelines, 2015. Collection method: clinical testing. Allele origin: unknown.

Color Diagnostics, LLC DBA Color Health
Classification: Uncertain significance for Hereditary cancer-predisposing syndrome. Last evaluated: 2019-06-05. Review status: criteria provided, single submitter. Criteria: ACMG Guidelines, 2015. Collection method: clinical testing. Allele origin: germline.

NM_000051.4(ATM):c.1261T>C (p.Ser421Pro)

Gene: ATM (ATM serine/threonine kinase; plus strand). Cytogenetic location: 11q22.3.
Variant type: single nucleotide variant.
Coding change: c.1261T>C on transcript NM_000051.4 (MANE Select); coding-DNA position 1261, T replaced by C.
Protein change: p.Ser421Pro; replaces serine 421 with proline.
Molecular consequence: missense variant.
Genome position (GRCh38, 1-based): chr11:108,250,726, T>C. VCF-style: chr11-108250726-T-C. GRCh37 (hg19) VCF-style: chr11-108121453-T-C.
Other names: c.1261T>C, p.Ser421Pro (NM_001351834.2); short protein forms S421P.
Identifiers: ClinVar variation 186145 (VCV000186145.23), dbSNP rs376196220, ClinGen allele CA193982.
Genomic context (GRCh38, chr11:108,250,726, plus strand): 5'-ATAGTTTTCAAATTATCCTTTTTTTTTTTTTTTAGGCTACAGATTGCAACCCAATTAATA[T>C]CAAAGTATCCTGCAAGTTTACCTAACTGTGAGCTGTCTCCATTACTGATGATACTATCTC-3'
Protein context (NP_000042.3, residues 411-431): PWLQIATQLI[Ser421Pro]KYPASLPNCE